The following is an entry in ClinVar:

ClinVar aggregate classification (germline): Conflicting classifications of pathogenicity. Review status: criteria provided, conflicting classifications (1 of 4 stars). 7 submissions from 7 submitters: Uncertain significance (6); Likely benign (1). Last evaluated 2025-12-29.

Conditions:
Hereditary cancer-predisposing syndrome. Also called: Neoplastic Syndromes, Hereditary; Tumor predisposition; Hereditary neoplastic syndrome; Hereditary Cancer Syndrome. Identifiers: Orphanet 140162, MedGen C0027672, MeSH D009386, MONDO:0015356.
MSH3-related disorder. Also called: MSH3-related condition.
Endometrial carcinoma. Also called: Endometrial carcinoma, somatic. Identifiers: MedGen C0476089, MONDO:0002447, OMIM 608089, HP:0012114.

Allele frequency attached by ClinVar (database versions not stated): gnomAD 0.00001; gnomAD exomes 0.00001; TOPMed 0.00001; ExAC 0.00002.
gnomAD v4.1: 12 of 1,612,538 alleles (0.00074%); highest among the groups gnomAD compares: Non-Finnish European, 0.00093%; no homozygotes.

Submissions (7):

Center for Genomic Medicine, Rigshospitalet, Copenhagen University Hospital
Classification: Uncertain significance. Last evaluated: 2025-12-29. Review status: criteria provided, single submitter. Criteria: ACMG Guidelines, 2015. Collection method: clinical testing. Allele origin: germline.

PreventionGenetics, part of Exact Sciences
Classification: Uncertain significance for MSH3-related condition. Last evaluated: 2025-09-29. Review status: criteria provided, single submitter. Criteria: ACMG Guidelines, 2015. Collection method: clinical testing. Allele origin: germline.
Comment: The MSH3 c.1523A>G variant is predicted to result in the amino acid substitution p.Lys508Arg. To our knowledge, this variant has not been reported in the literature. This variant is reported in 0.0026% of alleles in individuals of European (Non-Finnish) descent in gnomAD and has conflicting interpretation in ClinVar, ranging from uncertain to likely benign (Variation ID: 639736). At this time, the clinical significance of this variant is uncertain due to the absence of conclusive functional and genetic evidence.

Labcorp Genetics (formerly Invitae), Labcorp
Classification: Uncertain significance. Last evaluated: 2025-09-19. Review status: criteria provided, single submitter. Criteria: Invitae Variant Classification Sherloc (09022015). Collection method: clinical testing. Allele origin: germline.
Comment: This sequence change replaces lysine, which is basic and polar, with arginine, which is basic and polar, at codon 508 of the MSH3 protein (p.Lys508Arg). This variant is present in population databases (rs763370550, gnomAD 0.003%). This variant has not been reported in the literature in individuals affected with MSH3-related conditions. ClinVar contains an entry for this variant (Variation ID: 639736). An algorithm developed to predict the effect of missense changes on protein structure and function outputs the following: PolyPhen-2: "Benign". The arginine amino acid residue is found in multiple mammalian species, which suggests that this missense change does not adversely affect protein function. RNA analysis performed to evaluate the impact of this missense change on mRNA splicing indicates it does not significantly alter splicing (internal data). In summary, the available evidence is currently insufficient to determine the role of this variant in disease. Therefore, it has been classified as a Variant of Uncertain Significance.

GeneDx
Classification: Uncertain significance. Last evaluated: 2024-09-11. Review status: criteria provided, single submitter. Criteria: GeneDx Variant Classification Process June 2021. Collection method: clinical testing. Allele origin: germline.
Comment: Not observed at significant frequency in large population cohorts (gnomAD); In silico analysis indicates that this missense variant does not alter protein structure/function; Has not been previously published as pathogenic or benign to our knowledge

Baylor Genetics
Classification: Uncertain significance for Endometrial carcinoma. Last evaluated: 2023-10-20. Review status: criteria provided, single submitter. Criteria: ACMG Guidelines, 2015. Collection method: clinical testing. Allele origin: unknown.

Quest Diagnostics Nichols Institute San Juan Capistrano
Classification: Uncertain significance. Last evaluated: 2022-09-09. Review status: criteria provided, single submitter. Criteria: Quest Diagnostics criteria. Collection method: clinical testing. Allele origin: unknown.
Comment: The variant has not been reported in the published literature. The frequency of this variant in the general population, 0.000026 (3/113658 chromosomes), is uninformative in assessment of its pathogenicity. Analysis of this variant using bioinformatics tools for the prediction of the effect of amino acid changes on protein structure and function yielded predictions that this variant is benign. Based on the available information, we are unable to determine the clinical significance of this variant.

Ambry Genetics
Classification: Likely benign for Hereditary cancer-predisposing syndrome. Last evaluated: 2020-08-26. Review status: criteria provided, single submitter. Criteria: Ambry Variant Classification Scheme 2023. Collection method: clinical testing. Allele origin: germline.

NM_002439.5(MSH3):c.1523A>G (p.Lys508Arg)

Gene: MSH3 (mutS homolog 3; plus strand). Cytogenetic location: 5q14.1.
Variant type: single nucleotide variant.
Coding change: c.1523A>G on transcript NM_002439.5 (MANE Select); coding-DNA position 1523, A replaced by G.
Protein change: p.Lys508Arg; replaces lysine 508 with arginine.
Molecular consequence: missense variant.
Genome position (GRCh38, 1-based): chr5:80,728,920, A>G. VCF-style: chr5-80728920-A-G. GRCh37 (hg19) VCF-style: chr5-80024739-A-G.
Other names: short protein forms K508R.
Identifiers: ClinVar variation 639736 (VCV000639736.17), dbSNP rs763370550, ClinGen allele CA3327946.
Genomic context (GRCh38, chr5:80,728,920, plus strand): 5'-TTATTTCTGGCATTGTTAACTTAGAGAAGCCTGTGATTTGCTCTTTGGCTGCCATCATAA[A>G]ATACCTCAAAGAATTCAACTTGGAAAAGATGCTCTCCAAACCTGAGTAAGTGATTCCTCC-3'
Protein context (NP_002430.3, residues 498-518): PVICSLAAII[Lys508Arg]YLKEFNLEKM